The following continues an entry in ClinVar:

NM_000256.3(MYBPC3):c.1224-80G>A

Gene: MYBPC3. ClinVar aggregate classification (germline): Pathogenic/Likely pathogenic. Pathogenic (4); Likely pathogenic (14).

Submissions 10 to 22 of 22:

Molecular Genetics, Royal Melbourne Hospital
Classification: Likely pathogenic for Hypertrophic cardiomyopathy. Last evaluated: 2024-10-03. Review status: criteria provided, single submitter. Criteria: ACMG Guidelines, 2015. Collection method: clinical testing. Allele origin: germline. Inheritance: Autosomal dominant inheritance. Affected: yes.
Comment: This sequence change in MYBPC3 is an intronic variant located in intron 13. The results from an in silico splicing predictor (SpliceAI) indicate that this variant may impact splicing by disrupting the acceptor splice site of intron 13 of MYBPC3. It is observed to cause de novo acceptor site activation in RNA assays, resulting in an in-frame insertion of 78bp (26 amino acids) resulting in the elongation of exon 14 expected to escape nonsense-mediated decay and affect the C2 type domain which is a critical functional domain (PMID: 31730716, 37821546, 33781820, 34051236, 30446606, 27267291). The highest population minor allele frequency in the population database gnomAD v4.1 is 0.01% (8/71,850 alleles) in the African/African-American population. The prevalence of the variant in individuals with hypertrophic cardiomyopathy is significantly increased compared with the prevalence in the population (8 in 4,250 case genotypes vs 8 in 35,925 control genotypes; odds ratio 8.47, 95%CI=3.18-22.57; PMID: 31730716, 35508642, 37821546; gnomAD v4.1). Based on the classification scheme RMH Modified ACMG/AMP Guidelines v1.7.0, this variant is classified as LIKELY PATHOGENIC. Following criteria are met: PVS1_Strong, PS4_Moderate.

Molecular Diagnostic Laboratory for Inherited Cardiovascular Disease, Montreal Heart Institute
Classification: Likely pathogenic for Cardiovascular phenotype. Last evaluated: 2024-03-22. Review status: criteria provided, single submitter. Criteria: ACMG Guidelines, 2015. Collection method: clinical testing. Allele origin: germline. Affected: yes.
Comment: PVS1_mod, PS4_mod, PM2, PP5

Fulgent Genetics
Classification: Likely pathogenic for Hypertrophic cardiomyopathy 4; Left ventricular noncompaction 10. Last evaluated: 2024-02-02. Review status: criteria provided, single submitter. Criteria: ACMG Guidelines, 2015. Collection method: clinical testing. Allele origin: germline.

Clinical Genetics Laboratory, Skane University Hospital Lund
Classification: Pathogenic. Last evaluated: 2023-10-19. Review status: criteria provided, single submitter. Criteria: ACMG Guidelines, 2015. Collection method: clinical testing. Allele origin: germline. Affected: yes.

3billion
Classification: Pathogenic for Hypertrophic cardiomyopathy 4. Last evaluated: 2023-08-11. Review status: criteria provided, single submitter. Criteria: ACMG Guidelines, 2015. Collection method: clinical testing. Allele origin: germline. Affected: yes.
Comment: The variant is observed at an extremely low frequency in the gnomAD v2.1.1 dataset (total allele frequency: 0.006%). Predicted Consequence/Location: Intron variant Functional studies provide strong evidence of the variant having a damaging effect on the gene or gene product (PMID: 31730716, 31730716). In silico tools predict the variant to alter splicing and produce an abnormal transcript [SpliceAI: 0.94 (>=0.2, moderate evidence for spliceogenicity)]. The variant has been reported at least twice as pathogenic with clinical assertions and evidence for the classification (ClinVar ID: VCV000693982 /PMID: 31730716). Therefore, this variant is classified as Pathogenic according to the recommendation of ACMG/AMP guideline.

Laboratory for Molecular Medicine, Mass General Brigham Personalized Medicine
Classification: Likely pathogenic for Hypertrophic cardiomyopathy. Last evaluated: 2022-06-30. Review status: criteria provided, single submitter. Criteria: ACMG Guidelines, 2015. Collection method: clinical testing. Allele origin: germline.
Comment: The c.1224-80G>A variant in MYBPC3 has been reported in at least 4 individuals with hypertrophic cardiomyopathy (Janin 2020 PMID: 31730716, Lopes 2020 PMID: 32396390). It has also been identified in 2/8696 of African chromosomes by gnomAD. This variant has also been reported in ClinVar (Variation ID 693982). In vitro functional studies support an impact on protein function through aberrant splicing (Janin 2020 PMID: 31730716). In summary, although additional studies are required to fully establish its clinical significance, this variant meets criteria to be classified as likely pathogenic for autosomal dominant hypertrophic cardiomyopathy. ACMG/AMP Criteria applied: PS4_Supporting, PM2_Supporting, PS3.

Victorian Clinical Genetics Services, Murdoch Childrens Research Institute
Classification: Likely pathogenic for Hypertrophic cardiomyopathy 4. Last evaluated: 2022-06-24. Review status: criteria provided, single submitter. Criteria: ACMG Guidelines, 2015. Collection method: clinical testing. Allele origin: germline. Affected: yes.
Comment: Based on the classification scheme VCGS_Germline_v1.3.4, this variant is classified as Likely Pathogenic. Following criteria are met: 0102 - Loss of function is a known mechanism of disease in this gene and is associated with hypertrophic cardiomyopathy 4 (HCM; MIM#115197). (I) 0108 - This gene is associated with both recessive and dominant disease. Dominant inheritance is frequently reported in adult onset conditions, however recessive inheritance results in a more severe early onset phenotype (OMIM). (I) 0115 - Variants in this gene are known to have variable expressivity (PMID: 32841044). (I) 0209 - Splice site variant proven to affect splicing of the transcript with uncertain effect on protein sequence. Minigene assay on transfected HeLa cells demonstrates that this variant results in intron inclusion, and the addition of 26 amino acids to exon 14 (PMID: 31730716). However, more conclusive functional studies are required to establish the protein outcome. (SP) 0251 - This variant is heterozygous. (I) 0302 - Variant is present in gnomAD (v3) <0.001 for a dominant condition (8 heterozygotes, 0 homozygotes). However, exome coverage in v2 is poor. (SP) 0705 - No comparable splice variants have previous evidence for pathogenicity. (I) 0801 - This variant has strong previous evidence of pathogenicity in unrelated individuals. This variant has been reported as likely pathogenic, and observed in more than ten individuals with hypertrophic cardiomyopathy (ClinVar personal communication, LOVD, PMID: 31730716, PMID: 32396390). (SP) 0905 - No published segregation evidence has been identified for this variant. (I) 1007 - No published functional evidence has been identified for this variant. (I) 1208 - Inheritance information for this variant is not currently available in this individual. (I) Legend: (SP) - Supporting pathogenic, (I) - Information, (SB) - Supporting benign

AiLife Diagnostics
Classification: Likely pathogenic. Last evaluated: 2021-08-25. Review status: criteria provided, single submitter. Criteria: ACMG Guidelines, 2015. Collection method: clinical testing. Allele origin: germline. Affected: yes. Observed: 1 variant allele.

Clinical Genetics Service, Universitary Hospital 12 de Octubre
Classification: Pathogenic for Hypertrophic cardiomyopathy 4. Review status: criteria provided, single submitter. Criteria: ACMG Guidelines, 2015. Collection method: clinical testing. Allele origin: germline. Affected: yes.

Molecular Cardiogenetic Lab, Hospices Civils de Lyon
Classification: Pathogenic for Hypertrophic Cardiomyopathy. Last evaluated: 2019-10-17. Review status: no assertion criteria provided. Collection method: in vitro. Allele origin: not applicable. Inheritance: Autosomal dominant inheritance. Not counted in ClinVar's aggregate classification.

Clinical Genetics, Academic Medical Center
Classification: Likely pathogenic. Review status: no assertion criteria provided. Collection method: clinical testing. Allele origin: germline. Affected: yes. Study: VKGL Data-share Consensus. Not counted in ClinVar's aggregate classification.

Genome Diagnostics Laboratory, University Medical Center Utrecht
Classification: Likely pathogenic. Review status: no assertion criteria provided. Collection method: clinical testing. Allele origin: germline. Affected: yes. Study: VKGL Data-share Consensus. Not counted in ClinVar's aggregate classification.

Joint Genome Diagnostic Labs from Nijmegen and Maastricht, Radboudumc and MUMC+
Classification: Likely pathogenic. Review status: no assertion criteria provided. Collection method: clinical testing. Allele origin: germline. Affected: yes. Study: VKGL Data-share Consensus. Not counted in ClinVar's aggregate classification.

Literature cited by the submitters: PubMed 31730716 (cited by 10 submitters); PubMed 32396390 (cited by 7 submitters); PubMed 35508642 (cited by 4 submitters); PubMed 36264615 (cited by Ambry Genetics); PubMed 38586174 (cited by Ambry Genetics and Labcorp Genetics (formerly Invitae), Labcorp); PubMed 39260623 (cited by Ambry Genetics); PubMed 39355877 (cited by Ambry Genetics and Labcorp Genetics (formerly Invitae), Labcorp); PubMed 41175027 (cited by Ambry Genetics); PubMed 37821546 (cited by 3 submitters); PubMed 27267291 (cited by Molecular Genetics, Royal Melbourne Hospital); PubMed 30446606 (cited by Molecular Genetics, Royal Melbourne Hospital); PubMed 33781820 (cited by Molecular Genetics, Royal Melbourne Hospital); PubMed 34051236 (cited by Molecular Genetics, Royal Melbourne Hospital); PubMed 32841044 (cited by Victorian Clinical Genetics Services, Murdoch Childrens Research Institute).